The following is an entry in ClinVar:

ClinVar aggregate classification (germline): Uncertain significance (1 of 4 stars; one submission).

gnomAD v4.1: 1 of 1,613,094 alleles (0.000062%); highest among the groups gnomAD compares: Non-Finnish European, 0.000085%; no homozygotes.

Submission:

GeneDx
Classification: Uncertain significance. Last evaluated: 2026-03-10. Review status: criteria provided, single submitter. Criteria: GeneDx Variant Classification Process June 2021. Collection method: clinical testing. Allele origin: germline.
Comment: Has not been previously published as pathogenic or benign to our knowledge; Not observed at significant frequency in large population cohorts (gnomAD); In silico analysis supports that this missense variant has a deleterious effect on protein structure/function; This variant is associated with the following publications: (PMID: 27839871)

NM_000834.5(GRIN2B):c.1334A>C (p.Lys445Thr)

Gene: GRIN2B (glutamate ionotropic receptor NMDA type subunit 2B; minus strand). Cytogenetic location: 12p13.1.
Variant type: single nucleotide variant.
Coding change: c.1334A>C on transcript NM_000834.5 (MANE Select); coding-DNA position 1334, A replaced by C.
Protein change: p.Lys445Thr; replaces lysine 445 with threonine.
Molecular consequence: missense variant.
Genome position (GRCh38, 1-based): chr12:13,615,659, T>G on the plus strand (A>C on the coding strand, the complement: GRIN2B is on the minus strand). VCF-style: chr12-13615659-T-G. GRCh37 (hg19) VCF-style: chr12-13768593-T-G.
Other names: c.1334A>C, p.Lys445Thr (NM_001413992.1); short protein forms K445T.
Identifiers: ClinVar variation 4891457 (VCV004891457.1).